The following is an entry in ClinVar:

ClinVar aggregate classification (germline): Uncertain significance (1 of 4 stars; one submission).

Submission:

Labcorp Genetics (formerly Invitae), Labcorp
Classification: Uncertain significance. Last evaluated: 2022-05-25. Review status: criteria provided, single submitter. Criteria: Invitae Variant Classification Sherloc (09022015). Collection method: clinical testing. Allele origin: germline.
Comment: This variant, c.4117_4119del, results in the deletion of 1 amino acid(s) of the LAMB1 protein (p.Glu1373del), but otherwise preserves the integrity of the reading frame. In summary, the available evidence is currently insufficient to determine the role of this variant in disease. Therefore, it has been classified as a Variant of Uncertain Significance. Experimental studies and prediction algorithms are not available or were not evaluated, and the functional significance of this variant is currently unknown. This variant has not been reported in the literature in individuals affected with LAMB1-related conditions. This variant is not present in population databases (gnomAD no frequency).

NM_002291.3(LAMB1):c.4114GAG[1] (p.Glu1373del)

Gene: LAMB1 (laminin subunit beta 1; minus strand). Cytogenetic location: 7q31.1.
Variant type: Microsatellite.
Coding change: c.4114GAG[1] on transcript NM_002291.3 (MANE Select); one copy of the 3-base unit GAG starting at c.4114; the reference has two copies in a row; one copy, 3 bases deleted.
Protein change: p.Glu1373del; deletes glutamic acid 1373.
Molecular consequence: inframe deletion.
Genome position (GRCh38, 1-based): chr7:107,935,484-107,935,486, CTC deleted on the plus strand (GAG on the coding strand, the reverse complement: LAMB1 is on the minus strand); deleting any 3 consecutive bases within chr7:107,935,484-107,935,489 gives the same sequence; the position shown is the placement nearest the transcript's 3' end. VCF-style (leftmost placement, unchanged base first): chr7-107935483-GCTC-G. GRCh37 (hg19) VCF-style: chr7-107575928-GCTC-G.
Other names: short protein forms E1373del.
Identifiers: ClinVar variation 2135421 (VCV002135421.4), dbSNP rs2535399230, ClinGen allele CA2580617078.
Genomic context (GRCh38, chr7:107,935,483, plus strand): 5'-CAGCGGCTGAAAGGTCTAGGCTTTGTAGCTTGCCTGCCAGTTCATCAAGGAGGCGAGCCT[GCTC>G]CTCTTGTTTTTCCTTGAACTGGGATTCTCGCTCCATCATCACGTCTTCTACTCTGTCTCT-3'